The following is an entry in ClinVar:

NM_007294.4(BRCA1):c.42C>T (p.Val14=)

Gene: BRCA1 (BRCA1 DNA repair associated; minus strand). Cytogenetic location: 17q21.31.
Variant type: single nucleotide variant.
Coding change: c.42C>T on transcript NM_007294.4 (MANE Select); coding-DNA position 42, C replaced by T.
Protein change: p.Val14=; no amino-acid change (valine 14 retained).
Molecular consequence: synonymous variant. On other transcripts: 5 prime UTR variant (136), intron variant (36).
Genome position (GRCh38, 1-based): chr17:43,124,055, G>A on the plus strand (C>T on the coding strand, the complement: BRCA1 is on the minus strand). VCF-style: chr17-43124055-G-A. GRCh37 (hg19) VCF-style: chr17-41276072-G-A.
Other names: V14V; 161C>T; c.-147C>T (NM_001407571.1, NM_001407853.1, NM_001407879.1 and 46 more transcripts); c.42C>T, p.Val14= (NM_001407581.1, NM_001407582.1, NM_001407583.1 and 193 more transcripts); c.-216C>T (NM_001407694.1, NM_001407724.1, NM_001407727.1 and 11 more transcripts); c.-220C>T (NM_001407695.1, NM_001408465.1); c.-361C>T (NM_001407696.1); c.-245C>T (NM_001407697.1, NM_001407846.1, NM_001407920.1); and 25 more.
Identifiers: ClinVar variation 156194 (VCV000156194.30), dbSNP rs80356827, ClinGen allele CA002757.

ClinVar aggregate classification (germline): Likely benign. Review status: reviewed by expert panel (3 of 4 stars). 10 submissions from 10 submitters: Likely benign (1). 9 of the submissions do not count toward it. Last evaluated 2017-06-29.

Conditions:
Hereditary cancer-predisposing syndrome. Also called: Tumor predisposition; Hereditary neoplastic syndrome; Hereditary Cancer Syndrome; Neoplastic Syndromes, Hereditary. Identifiers: Orphanet 140162, MedGen C0027672, MeSH D009386, MONDO:0015356.
Hereditary breast ovarian cancer syndrome. Also called: Hereditary breast and/or ovarian cancer syndrome; Breast and ovarian cancer; Hereditary breast and ovarian cancer syndrome; Hereditary breast and ovarian cancer; Hereditary breast and ovarian cancer syndrome (HBOC); BRCA1- and BRCA2-Associated Hereditary Breast and Ovarian Cancer. Identifiers: Orphanet 145, MedGen C0677776, MeSH D061325, MONDO:0003582. Disease mechanism: loss of function.
Breast-ovarian cancer, familial, susceptibility to, 1 (BROVCA1). Also called: BRCA1 Hereditary Breast and Ovarian Cancer; OVARIAN CANCER, SUSCEPTIBILITY TO. Identifiers: Orphanet 145, MedGen C2676676, MONDO:0011450, OMIM 604370. Disease mechanism: loss of function.

Allele frequency attached by ClinVar (database versions not stated): gnomAD exomes below 0.00001 and 0.00002.
gnomAD v4.1: 24 of 1,613,796 alleles (0.0015%); highest among the groups gnomAD compares: Non-Finnish European, 0.0019%; no homozygotes.

Submissions (11):

Evidence-based Network for the Interpretation of Germline Mutant Alleles (ENIGMA)
Classification: Likely benign for Breast-ovarian cancer, familial, susceptibility to, 1. Last evaluated: 2017-06-29. Review status: reviewed by expert panel. Criteria: ENIGMA BRCA1/2 Classification Criteria (2017-06-29). Collection method: curation. Allele origin: germline.
Comment: Synonymous substitution variant, with low bioinformatic likelihood to result in a splicing aberration (Splicing prior probability 0.02).

Labcorp Genetics (formerly Invitae), Labcorp
Classification: Benign for Hereditary breast ovarian cancer syndrome. Last evaluated: 2025-12-20. Review status: criteria provided, single submitter. Criteria: Invitae Variant Classification Sherloc (09022015). Collection method: clinical testing. Allele origin: germline. Not counted in ClinVar's aggregate classification.

All of Us Research Program, National Institutes of Health
Classification: Likely benign for Breast-ovarian cancer, familial, susceptibility to, 1. Last evaluated: 2023-10-30. Review status: criteria provided, single submitter. Criteria: ACMG Guidelines, 2015. Collection method: clinical testing. Allele origin: germline. Inheritance: Autosomal dominant inheritance. Observed: 2 variant alleles, 2 heterozygotes. Not counted in ClinVar's aggregate classification.
Comment: This study involves interpretation of variants in research participants for the purpose of population health screening. Participant phenotype was not available at the time of variant classification. Additional details can be found in publication PMID: 35346344, PMCID: PMC8962531

Quest Diagnostics Nichols Institute San Juan Capistrano
Classification: Likely benign. Last evaluated: 2022-07-26. Review status: criteria provided, single submitter. Criteria: Quest Diagnostics criteria. Collection method: clinical testing. Allele origin: unknown. Not counted in ClinVar's aggregate classification.

Women's Health and Genetics/Laboratory Corporation of America, LabCorp
Classification: Likely benign. Last evaluated: 2019-08-21. Review status: criteria provided, single submitter. Criteria: LabCorp Variant Classification Summary - May 2015. Collection method: clinical testing. Allele origin: germline. Not counted in ClinVar's aggregate classification.

Color Diagnostics, LLC DBA Color Health
Classification: Likely benign for Hereditary cancer-predisposing syndrome. Last evaluated: 2018-03-15. Review status: criteria provided, single submitter. Criteria: ACMG Guidelines, 2015. Collection method: clinical testing. Allele origin: germline. Not counted in ClinVar's aggregate classification.

GeneDx
Classification: Benign. Last evaluated: 2015-03-03. Review status: criteria provided, single submitter. Criteria: GeneDx Variant Classification Process June 2021. Collection method: clinical testing. Allele origin: germline. Affected: yes. Not counted in ClinVar's aggregate classification.
Comment: This variant is associated with the following publications: (PMID: 30209399)

Ambry Genetics
Classification: Likely benign for Hereditary cancer-predisposing syndrome. Last evaluated: 2014-11-18. Review status: criteria provided, single submitter. Criteria: Ambry Variant Classification Scheme 2023. Collection method: clinical testing. Allele origin: germline. Not counted in ClinVar's aggregate classification.

Counsyl
Classification: Likely benign for Breast-ovarian cancer, familial, susceptibility to, 1. Last evaluated: 2017-12-22. Review status: no assertion criteria provided. Collection method: clinical testing. Allele origin: unknown. Not counted in ClinVar's aggregate classification.

Sharing Clinical Reports Project (SCRP)
Classification: Benign for Breast-ovarian cancer, familial 1. Last evaluated: 2011-03-15. Review status: no assertion criteria provided. Collection method: clinical testing. Allele origin: germline. Not counted in ClinVar's aggregate classification.

Brotman Baty Institute, University of Washington
No classification provided (evidence only). Condition: Breast-ovarian cancer, familial 1. Review status: no classification provided. Collection method: in vitro. Allele origin: not applicable. Functional consequence: functionally_normal. Not counted in ClinVar's aggregate classification.
ClinVar note: "not provided" was previously submitted as the classification for the variant. However, the classification appeared to be based only on an observation of functional data so it was converted to no classification on 2025-07-30.

Literature cited by the submitters: PubMed 16267036 (cited by Counsyl).